The following is an entry in ClinVar:

NM_024675.4(PALB2):c.2081C>A (p.Thr694Lys)

Gene: PALB2 (partner and localizer of BRCA2; minus strand). Cytogenetic location: 16p12.2.
Variant type: single nucleotide variant.
Coding change: c.2081C>A on transcript NM_024675.4 (MANE Select); coding-DNA position 2081, C replaced by A.
Protein change: p.Thr694Lys; replaces threonine 694 with lysine.
Molecular consequence: missense variant.
Genome position (GRCh38, 1-based): chr16:23,630,073, G>T on the plus strand (C>A on the coding strand, the complement: PALB2 is on the minus strand). VCF-style: chr16-23630073-G-T. GRCh37 (hg19) VCF-style: chr16-23641394-G-T.
Other names: short protein forms T694K.
Identifiers: ClinVar variation 482061 (VCV000482061.17), dbSNP rs1439027692, ClinGen allele CA395125855.

ClinVar aggregate classification (germline): Uncertain significance. Review status: criteria provided, multiple submitters, no conflicts (2 of 4 stars). 2 submissions from 2 submitters: Uncertain significance (2). Last evaluated 2024-12-23.

Conditions:
Hereditary cancer-predisposing syndrome. Also called: Neoplastic Syndromes, Hereditary; Tumor predisposition; Hereditary Cancer Syndrome; Hereditary neoplastic syndrome. Identifiers: Orphanet 140162, MedGen C0027672, MeSH D009386, MONDO:0015356.
Familial cancer of breast. Also called: BREAST CANCER, FAMILIAL; Hereditary breast cancer; hereditary breast carcinoma. Identifiers: Orphanet 227535, MedGen C0346153, MONDO:0016419, OMIM 114480. Disease mechanism: loss of function.

Submissions (2):

Labcorp Genetics (formerly Invitae), Labcorp
Classification: Uncertain significance for Familial cancer of breast. Last evaluated: 2024-12-23. Review status: criteria provided, single submitter. Criteria: Invitae Variant Classification Sherloc (09022015). Collection method: clinical testing. Allele origin: germline.
Comment: This sequence change replaces threonine, which is neutral and polar, with lysine, which is basic and polar, at codon 694 of the PALB2 protein (p.Thr694Lys). This variant is not present in population databases (gnomAD no frequency). This variant has not been reported in the literature in individuals affected with PALB2-related conditions. ClinVar contains an entry for this variant (Variation ID: 482061). Invitae Evidence Modeling of protein sequence and biophysical properties (such as structural, functional, and spatial information, amino acid conservation, physicochemical variation, residue mobility, and thermodynamic stability) indicates that this missense variant is not expected to disrupt PALB2 protein function with a negative predictive value of 80%. In summary, the available evidence is currently insufficient to determine the role of this variant in disease. Therefore, it has been classified as a Variant of Uncertain Significance.

Ambry Genetics
Classification: Uncertain significance for Hereditary cancer-predisposing syndrome. Last evaluated: 2024-05-25. Review status: criteria provided, single submitter. Criteria: Ambry Variant Classification Scheme 2023. Collection method: clinical testing. Allele origin: germline.
Comment: The p.T694K variant (also known as c.2081C>A), located in coding exon 5 of the PALB2 gene, results from a C to A substitution at nucleotide position 2081. The threonine at codon 694 is replaced by lysine, an amino acid with similar properties. This amino acid position is poorly conserved in available vertebrate species. In addition, this alteration is predicted to be tolerated by in silico analysis. Since supporting evidence is limited at this time, the clinical significance of this alteration remains unclear.